The following is an entry in ClinVar:

NM_001077365.2(POMT1):c.1545C>G (p.Ser515Arg)

Gene: POMT1 (protein O-mannosyltransferase 1; plus strand). Cytogenetic location: 9q34.13.
Variant type: single nucleotide variant.
Coding change: c.1545C>G on transcript NM_001077365.2 (MANE Select); coding-DNA position 1545, C replaced by G.
Protein change: p.Ser515Arg; replaces serine 515 with arginine.
Molecular consequence: missense variant. On other transcripts: non-coding transcript variant (10), intron variant (1).
Genome position (GRCh38, 1-based): chr9:131,519,447, C>G. VCF-style: chr9-131519447-C-G. GRCh37 (hg19) VCF-style: chr9-134394834-C-G.
Other names: p.S537R:AGC>AGG; c.1383C>G, p.Ser461Arg (NM_001077366.2, NM_001353194.2); c.1545C>G, p.Ser515Arg (NM_001136113.2); c.1194C>G, p.Ser398Arg (NM_001136114.2, NM_001353195.2, NM_001374691.1 and 2 more transcripts); c.1611C>G, p.Ser537Arg (NM_001353193.2, NM_007171.4); c.1455C>G, p.Ser485Arg (NM_001353196.2); c.1449C>G, p.Ser483Arg (NM_001353197.2, NM_001353198.2); c.1260C>G, p.Ser420Arg (NM_001353199.2); and 4 more; short protein forms S537R, S483R, S515R, S363R, S398R, S420R, S461R, S485R.
Identifiers: ClinVar variation 162591 (VCV000162591.74), dbSNP rs150367385, ClinGen allele CA207903.

ClinVar aggregate classification (germline): Benign/Likely benign. Review status: criteria provided, multiple submitters, no conflicts (2 of 4 stars). 13 submissions from 13 submitters: Benign (4); Likely benign (8). 1 of the submissions does not count toward it. Last evaluated 2026-09-01.

Conditions:
Walker-Warburg congenital muscular dystrophy. Also called: Muscular dystrophy-dystroglycanopathy, type A; Walker-Warburg syndrome. Identifiers: Orphanet 899, MedGen C0265221, MONDO:0000171.
Autosomal recessive limb-girdle muscular dystrophy type 2K. Also called: MUSCULAR DYSTROPHY-DYSTROGLYCANOPATHY (LIMB-GIRDLE), TYPE C, 1; MUSCULAR DYSTROPHY, LIMB-GIRDLE, TYPE 2K. Identifiers: Orphanet 86812, MedGen C1836373, MONDO:0012248, OMIM 609308.
Muscular dystrophy-dystroglycanopathy (congenital with impaired intellectual development), type B, 1. Also called: MUSCULAR DYSTROPHY, CONGENITAL, POMT1-RELATED; Muscular dystrophy-dystroglycanopathy (congenital with intellectual disability), type B1. Identifiers: MedGen C5436962, MONDO:0013159, OMIM 613155.
Muscular dystrophy-dystroglycanopathy (congenital with brain and eye anomalies), type A1 (MDDGA1). Also called: WALKER-WARBURG SYNDROME OR MUSCLE-EYE-BRAIN DISEASE, POMT1-RELATED; Hydrocephalus, agyria and retinal dysplasia; Hard +/- E syndrome; Warburg syndrome; Chemke syndrome; Pagon syndrome. Identifiers: Orphanet 588, Orphanet 899, MedGen C4284790, MONDO:0009364, OMIM 236670.

Allele frequency attached by ClinVar (database versions not stated): gnomAD 0.00116 and 0.00114; 1000 Genomes Project 30x 0.00125; TOPMed 0.00140; ExAC 0.00161; gnomAD exomes 0.00163; 1000 Genomes Project 0.00060; ESP Exome Variant Server 0.00072.
gnomAD v4.1: 1,803 of 1,551,390 alleles (0.12%); highest among the groups gnomAD compares: Middle Eastern, 2%; 2 homozygotes.

Submissions (13):

CeGaT Center for Human Genetics Tuebingen
Classification: Likely benign. Last evaluated: 2026-09-01. Review status: criteria provided, single submitter. Criteria: CeGaT Center For Human Genetics Tuebingen Variant Classification Criteria Version 2. Collection method: clinical testing. Allele origin: germline. Affected: yes. Observed: 17 variant alleles.
Comment: POMT1: BS1

Labcorp Genetics (formerly Invitae), Labcorp
Classification: Likely benign for Muscular dystrophy-dystroglycanopathy (congenital with impaired intellectual development), type B, 1; Walker-Warburg congenital muscular dystrophy; Autosomal recessive limb-girdle muscular dystrophy type 2K. Last evaluated: 2026-01-31. Review status: criteria provided, single submitter. Criteria: Invitae Variant Classification Sherloc (09022015). Collection method: clinical testing. Allele origin: germline.

Blueprint Genetics
Classification: Likely benign. Last evaluated: 2024-11-22. Review status: criteria provided, single submitter. Criteria: ACMG Guidelines, 2015. Collection method: clinical testing. Allele origin: germline.

Athena Diagnostics
Classification: Likely benign. Last evaluated: 2024-02-08. Review status: criteria provided, single submitter. Criteria: Athena Diagnostics Criteria. Collection method: clinical testing. Allele origin: unknown.

Women's Health and Genetics/Laboratory Corporation of America, LabCorp
Classification: Benign. Last evaluated: 2022-02-25. Review status: criteria provided, single submitter. Criteria: LabCorp Variant Classification Summary - May 2015. Collection method: clinical testing. Allele origin: germline.
Comment: Variant summary: POMT1 c.1611C>G (p.Ser537Arg) results in a non-conservative amino acid change in the encoded protein sequence. Four of five in-silico tools predict a benign effect of the variant on protein function. The variant allele was found at a frequency of 0.0016 in 155618 control chromosomes in the gnomAD database, including 1 homozygote. The observed variant frequency is approximately 2.3 fold of the estimated maximal expected allele frequency for a pathogenic variant in POMT1 causing Limb-Girdle Muscular Dystrophy, Autosomal Recessive phenotype (0.00072), strongly suggesting that the variant is benign. Although listed in the literature, to our knowledge, no penetrant association of c.1611C>G in individuals affected with Limb-Girdle Muscular Dystrophy, Autosomal Recessive and no experimental evidence demonstrating its impact on protein function have been reported. Ten clinical diagnostic laboratories have submitted clinical-significance assessments for this variant to ClinVar after 2014 without evidence for independent evaluation and a predominant consensus as benign/likely benign. Based on the evidence outlined above, the variant was classified as benign.

Mendelics
Classification: Benign for Autosomal recessive limb-girdle muscular dystrophy type 2K. Last evaluated: 2019-05-28. Review status: criteria provided, single submitter. Criteria: Mendelics Assertion Criteria 2017. Collection method: clinical testing. Allele origin: unknown.

Centre for Mendelian Genomics, University Medical Centre Ljubljana
Classification: Benign for Muscular dystrophy-dystroglycanopathy (congenital with brain and eye anomalies), type A1. Last evaluated: 2019-03-26. Review status: criteria provided, single submitter. Criteria: ACMG Guidelines, 2015. Collection method: clinical testing. Allele origin: unknown. Affected: yes.
Comment: This variant was classified as: Benign. The following ACMG criteria were applied in classifying this variant: BS1,BS2.

GeneDx
Classification: Benign. Last evaluated: 2017-10-30. Review status: criteria provided, single submitter. Criteria: GeneDx Variant Classification (06012015). Collection method: clinical testing. Allele origin: germline. Affected: yes.
Comment: This variant is considered likely benign or benign based on one or more of the following criteria: it is a conservative change, it occurs at a poorly conserved position in the protein, it is predicted to be benign by multiple in silico algorithms, and/or has population frequency not consistent with disease.

Center for Pediatric Genomic Medicine, Children's Mercy Hospital and Clinics
Classification: Likely benign. Last evaluated: 2016-05-06. Review status: criteria provided, single submitter. Criteria: ACMG Guidelines, 2015. Collection method: clinical testing. Allele origin: germline.
ClinVar note: Converted during submission from Likely Benign to Likely benign.

Genetic Services Laboratory, University of Chicago
Classification: Likely benign. Last evaluated: 2015-09-18. Review status: criteria provided, single submitter. Criteria: ACMG Guidelines, 2015. Collection method: clinical testing. Allele origin: germline. Affected: no.

Eurofins Ntd Llc (ga)
Classification: Likely benign. Last evaluated: 2015-09-17. Review status: criteria provided, single submitter. Criteria: EGL Classification Definitions 2015. Collection method: clinical testing. Allele origin: germline. Observed: 5 variant alleles, 5 heterozygotes.

PreventionGenetics, part of Exact Sciences
Classification: Likely benign. Review status: criteria provided, single submitter. Criteria: ACMG Guidelines, 2015. Collection method: clinical testing. Allele origin: germline.

Baylor Genetics
Classification: Likely benign for Muscular dystrophy-dystroglycanopathy (congenital with brain and eye anomalies), type A1. Review status: no assertion criteria provided. Collection method: clinical testing. Allele origin: unknown. Not counted in ClinVar's aggregate classification.

Literature cited by the submitters: PubMed 30564623 (cited by Athena Diagnostics); PubMed 31311558 (cited by Athena Diagnostics); PubMed 31862442 (cited by Athena Diagnostics); PubMed 25326635 (cited by Athena Diagnostics and Baylor Genetics); PubMed 27884173 (cited by Athena Diagnostics and Baylor Genetics); PubMed 26245304 (cited by Athena Diagnostics); PubMed 25267602 (cited by Athena Diagnostics); PubMed 25898921 (cited by Athena Diagnostics); PubMed 19519795 (cited by Athena Diagnostics); PubMed 15637732 (cited by 3 submitters); PubMed 19222032 (cited by Athena Diagnostics and Eurofins Ntd Llc (ga)); PubMed 18513969 (cited by Athena Diagnostics and Eurofins Ntd Llc (ga)); PubMed 17559086 (cited by Athena Diagnostics and Eurofins Ntd Llc (ga)); PubMed 19299310 (cited by Athena Diagnostics).